The following is an entry in ClinVar:

ClinVar aggregate classification (germline): Likely benign (0 of 4 stars; one submission).

Conditions:
STXBP5-related disorder. Also called: STXBP5-related condition.

Allele frequency attached by ClinVar (database versions not stated): gnomAD exomes 0.00006; ExAC 0.00007; gnomAD 0.00007; TOPMed 0.00007.
gnomAD v4.1: 99 of 1,613,320 alleles (0.0061%); highest among the groups gnomAD compares: South Asian, 0.016%; no homozygotes.

Submission:

PreventionGenetics, part of Exact Sciences
Classification: Likely benign for STXBP5-related condition. Last evaluated: 2019-05-24. Review status: no assertion criteria provided. Collection method: clinical testing. Allele origin: germline.
Comment: This variant is classified as likely benign based on ACMG/AMP sequence variant interpretation guidelines (Richards et al. 2015 PMID: 25741868, with internal and published modifications).

NM_001127715.4(STXBP5):c.537C>T (p.Tyr179=)

Gene: STXBP5 (syntaxin binding protein 5; plus strand). Cytogenetic location: 6q24.3.
Variant type: single nucleotide variant.
Coding change: c.537C>T on transcript NM_001127715.4 (MANE Select); coding-DNA position 537, C replaced by T.
Protein change: p.Tyr179=; no amino-acid change (tyrosine 179 retained).
Molecular consequence: synonymous variant.
Genome position (GRCh38, 1-based): chr6:147,260,720, C>T. VCF-style: chr6-147260720-C-T. GRCh37 (hg19) VCF-style: chr6-147581856-C-T.
Other names: c.537C>T, p.Tyr179= (NM_001394409.1, NM_139244.6).
Identifiers: ClinVar variation 3038990 (VCV003038990.2), dbSNP rs750040194, ClinGen allele CA4038758.